The following is an entry in ClinVar:

ClinVar aggregate classification (germline): Uncertain significance. Review status: criteria provided, multiple submitters, no conflicts (2 of 4 stars). 2 submissions from 2 submitters: Uncertain significance (2). Last evaluated 2024-01-12.

Conditions:
Inborn genetic diseases. Identifiers: MedGen C0950123, MeSH D030342.

Allele frequency attached by ClinVar (database versions not stated): gnomAD exomes 0.00001.
gnomAD v4.1: 7 of 1,611,382 alleles (0.00043%); highest among the groups gnomAD compares: Non-Finnish European, 0.00059%; no homozygotes.

Submissions (2):

Women's Health and Genetics/Laboratory Corporation of America, LabCorp
Classification: Uncertain significance. Last evaluated: 2024-01-12. Review status: criteria provided, single submitter. Criteria: LabCorp Variant Classification Summary - May 2015. Collection method: clinical testing. Allele origin: germline.
Comment: Variant summary: ARFGEF1 c.1031T>C (p.Met344Thr) results in a non-conservative amino acid change in the encoded protein sequence. Four of five in-silico tools predict a benign effect of the variant on protein function. The variant allele was found at a frequency of 4e-06 in 249164 control chromosomes. The available data on variant occurrences in the general population are insufficient to allow any conclusion about variant significance. To our knowledge, no occurrence of c.1031T>C in individuals affected with Developmental Delay, Impaired Speech, And Behavioral Abnormalities, With Or Without Seizures and no experimental evidence demonstrating its impact on protein function have been reported. ClinVar contains an entry for this variant (Variation ID: 2605239). Based on the evidence outlined above, the variant was classified as uncertain significance.

Ambry Genetics
Classification: Uncertain significance for Inborn genetic diseases. Last evaluated: 2023-06-22. Review status: criteria provided, single submitter. Criteria: Ambry Variant Classification Scheme 2023. Collection method: clinical testing. Allele origin: germline.

NM_006421.5(ARFGEF1):c.1031T>C (p.Met344Thr)

Gene: ARFGEF1 (ARF guanine nucleotide exchange factor 1; minus strand). Cytogenetic location: 8q13.2.
Variant type: single nucleotide variant.
Coding change: c.1031T>C on transcript NM_006421.5 (MANE Select); coding-DNA position 1031, T replaced by C.
Protein change: p.Met344Thr; replaces methionine 344 with threonine.
Molecular consequence: missense variant. On other transcripts: non-coding transcript variant (1), intron variant (1).
Genome position (GRCh38, 1-based): chr8:67,277,454, A>G on the plus strand (T>C on the coding strand, the complement: ARFGEF1 is on the minus strand). VCF-style: chr8-67277454-A-G. GRCh37 (hg19) VCF-style: chr8-68189689-A-G.
Other names: c.1031T>C, p.Met344Thr (NM_001413184.1, NM_001413185.1, NM_001413186.1 and 7 more transcripts); c.431T>C, p.Met144Thr (NM_001413188.1, NM_001413193.1, NM_001413197.1); c.-88-5518T>C (NM_001413196.1); short protein forms M144T, M344T.
Identifiers: ClinVar variation 2605239 (VCV002605239.3), dbSNP rs553294668, ClinGen allele CA178281943.